The following is an entry in ClinVar:

ClinVar aggregate classification (germline): Pathogenic (1 of 4 stars; one submission).

Conditions:
Ataxia-telangiectasia syndrome (AT). Also called: Cerebello-oculocutaneous telangiectasia; Immunodeficiency with ataxia telangiectasia; Ataxia telangiectasia (A-T); LOUIS-BAR SYNDROME; Ataxia-telangiectasia, complementation group D; AT, COMPLEMENTATION GROUP C. Identifiers: Orphanet 100, MedGen C0004135, MONDO:0008840, OMIM 208900.

Submission:

Labcorp Genetics (formerly Invitae), Labcorp
Classification: Pathogenic for Ataxia-telangiectasia syndrome. Last evaluated: 2022-06-16. Review status: criteria provided, single submitter. Criteria: Invitae Variant Classification Sherloc (09022015). Collection method: clinical testing. Allele origin: germline.
Comment: For these reasons, this variant has been classified as Pathogenic. Algorithms developed to predict the effect of sequence changes on RNA splicing suggest that this variant may disrupt the consensus splice site. This variant has not been reported in the literature in individuals affected with ATM-related conditions. This variant is not present in population databases (gnomAD no frequency). This sequence change creates a premature translational stop signal (p.Phe603Leufs*13) in the ATM gene. It is expected to result in an absent or disrupted protein product. Loss-of-function variants in ATM are known to be pathogenic (PMID: 23807571, 25614872).

Literature cited by the submitters: PubMed 23807571; PubMed 25614872.

NM_000051.4(ATM):c.1804_1808dup (p.Phe603fs)

Gene: ATM (ATM serine/threonine kinase; plus strand). Cytogenetic location: 11q22.3.
Variant type: Duplication.
Coding change: c.1804_1808dup on transcript NM_000051.4 (MANE Select); coding-DNA positions 1804 to 1808, 5 bases duplicated (AATTT; older notation c.1804_1808dupAATTT).
Protein change: p.Phe603fs; shifts the reading frame from phenylalanine 603.
Molecular consequence: frameshift variant.
Genome position (GRCh38, 1-based): chr11:108,252,818-108,252,822, AATTT duplicated; duplicating any 5 consecutive bases within chr11:108,252,817-108,252,822 gives the same sequence; the c. name uses the placement nearest the transcript's 3' end. VCF-style (leftmost placement, unchanged base first): chr11-108252816-G-GTAATT. GRCh37 (hg19) VCF-style: chr11-108123543-G-GTAATT.
Other names: c.1804_1808dup, p.Phe603fs (NM_001351834.2); short protein forms F603fs.
Identifiers: ClinVar variation 2007415 (VCV002007415.4), dbSNP rs2497288910, ClinGen allele CA2580083801.